The following is an entry in ClinVar:

ClinVar aggregate classification (germline): Likely pathogenic (1 of 4 stars; one submission).

Submission:

GeneDx
Classification: Likely pathogenic. Last evaluated: 2025-01-17. Review status: criteria provided, single submitter. Criteria: GeneDx Variant Classification Process June 2021. Collection method: clinical testing. Allele origin: germline. Affected: yes.
Comment: Alters the last nucleotide of the exon and is predicted to destroy the splice donor site and result in aberrant splicing, although in the absence of functional evidence the actual effect of this sequence change is unknown; Not observed at significant frequency in large population cohorts (gnomAD); Has not been previously published as pathogenic or benign to our knowledge

NM_175914.5(HNF4A):c.319G>A (p.Ala107Thr)

Gene: HNF4A (hepatocyte nuclear factor 4 alpha; plus strand). Cytogenetic location: 20q13.12.
Variant type: single nucleotide variant.
Coding change: c.319G>A on transcript NM_175914.5 (MANE Select); coding-DNA position 319, G replaced by A.
Protein change: p.Ala107Thr; replaces alanine 107 with threonine.
Molecular consequence: missense variant.
Genome position (GRCh38, 1-based): chr20:44,407,475, G>A. VCF-style: chr20-44407475-G-A. GRCh37 (hg19) VCF-style: chr20-43036115-G-A.
Other names: c.385G>A, p.Ala129Thr (NM_000457.6, NM_178849.3, NM_178850.3); c.319G>A, p.Ala107Thr (NM_001030003.3, NM_001030004.3); c.364G>A, p.Ala122Thr (NM_001258355.2); c.310G>A, p.Ala104Thr (NM_001287182.2, NM_001287183.2, NM_001287184.2); short protein forms A104T, A107T, A122T, A129T.
Identifiers: ClinVar variation 1200389 (VCV001200389.4), dbSNP rs2063517684, ClinGen allele CA409104437.